The following is an entry in ClinVar:

NM_003073.5(SMARCB1):c.105C>G (p.Tyr35Ter)

Gene: SMARCB1 (SWI/SNF related BAF chromatin remodeling complex subunit B1; plus strand). Cytogenetic location: 22q11.23.
Variant type: single nucleotide variant.
Coding change: c.105C>G on transcript NM_003073.5 (MANE Select); coding-DNA position 105, C replaced by G.
Protein change: p.Tyr35Ter; replaces tyrosine 35 with a stop codon.
Molecular consequence: nonsense.
Genome position (GRCh38, 1-based): chr22:23,791,767, C>G. VCF-style: chr22-23791767-C-G. GRCh37 (hg19) VCF-style: chr22-24133954-C-G.
Other names: c.105C>G, p.Tyr35Ter (NM_001007468.3, NM_001317946.2, NM_001362877.2); short protein forms Y35*.
Identifiers: ClinVar variation 4991526 (VCV004991526.1).

ClinVar aggregate classification (germline): Pathogenic (1 of 4 stars; one submission).

Conditions:
SMARCB1-related disorder. Also called: SMARCB1-related condition; SMARCB1-related disorders.

Submission:

PreventionGenetics, part of Exact Sciences
Classification: Pathogenic for SMARCB1-related condition. Last evaluated: 2026-04-15. Review status: criteria provided, single submitter. Criteria: ACMG Guidelines, 2015. Collection method: clinical testing. Allele origin: germline.
Comment: The SMARCB1 c.105C>G variant is predicted to result in premature protein termination (p.Tyr35*). This variant was reported in an individual with rhabdoid tumour (Bourdeaut et al. 2011. PubMed ID: 21208904). This variant has not been reported in a large population database (gnomAD), indicating this variant is rare. At the time of reporting this variant was not present in ClinVar. A downstream missense variant at codon 374, c.1121G>A (p.Arg374Gln), which would be disrupted by this nonsense variant has been observed in individuals with clinical features of Coffin-Siris syndrome (Gossai. 2015. PubMed ID: 26364901; Filatova et al. 2019. PubMed ID: 31273213) indicating disruption of this codon is clinically relevant. Nonsense variants in SMARCB1 are expected to be pathogenic. This variant is interpreted as pathogenic.